The following is an entry in ClinVar:

ClinVar aggregate classification (germline): Pathogenic/Likely pathogenic. Review status: criteria provided, multiple submitters, no conflicts (2 of 4 stars). 2 submissions from 2 submitters: Pathogenic (1); Likely pathogenic (1). Last evaluated 2023-07-18.

Conditions:
Multiple congenital anomalies-hypotonia-seizures syndrome 1 (MCAHS1). Also called: GLYCOSYLPHOSPHATIDYLINOSITOL BIOSYNTHESIS DEFECT 3; PIGN-CDG; Congenital disorder of glycosylation due to PIGN deficiency. Identifiers: Orphanet 280633, MedGen C3279775, MONDO:0013563, OMIM 614080.

Submissions (2):

Labcorp Genetics (formerly Invitae), Labcorp
Classification: Pathogenic for Multiple congenital anomalies-hypotonia-seizures syndrome 1. Last evaluated: 2023-07-18. Review status: criteria provided, single submitter. Criteria: Invitae Variant Classification Sherloc (09022015). Collection method: clinical testing. Allele origin: germline.
Comment: Algorithms developed to predict the effect of sequence changes on RNA splicing suggest that this variant may disrupt the consensus splice site. For these reasons, this variant has been classified as Pathogenic. This variant has not been reported in the literature in individuals affected with PIGN-related conditions. This variant is not present in population databases (gnomAD no frequency). This sequence change creates a premature translational stop signal (p.Glu201Valfs*32) in the PIGN gene. It is expected to result in an absent or disrupted protein product. Loss-of-function variants in PIGN are known to be pathogenic (PMID: 24253414, 27038415).

Juno Genomics, Hangzhou Juno Genomics, Inc
Classification: Likely pathogenic for Multiple congenital anomalies-hypotonia-seizures syndrome 1. Review status: criteria provided, single submitter. Criteria: ACMG Guidelines, 2015. Collection method: clinical testing. Allele origin: germline. Affected: yes.
Comment: Absent from controls (or at extremely low frequency if recessive) in Genome Aggregation Database, Exome Sequencing Project, 1000 Genomes Project, or Exome Aggregation Consortium.;Null variant in a gene where loss of function (LOF) is a known mechanism of disease.

Literature cited by the submitters: PubMed 24253414 (cited by Labcorp Genetics (formerly Invitae), Labcorp); PubMed 27038415 (cited by Labcorp Genetics (formerly Invitae), Labcorp).

NM_176787.5(PIGN):c.601_602insT (p.Glu201fs)

Gene: PIGN (phosphatidylinositol glycan anchor biosynthesis class N; minus strand). Cytogenetic location: 18q21.33.
Variant type: Insertion.
Coding change: c.601_602insT on transcript NM_176787.5 (MANE Select); coding-DNA positions 601 to 602, T inserted.
Protein change: p.Glu201fs; shifts the reading frame from glutamic acid 201.
Molecular consequence: frameshift variant.
Genome position: GRCh38 VCF-style: chr18-62148286-T-TA. GRCh37 (hg19) VCF-style: chr18-59815519-T-TA.
Other names: c.601_602insT, p.Glu201fs (NM_012327.6); short protein forms E201fs.
Identifiers: ClinVar variation 2897822 (VCV002897822.5), dbSNP rs2513984671, ClinGen allele CA2739276320.